The following is an entry in ClinVar:

ClinVar aggregate classification (germline): Benign/Likely benign. Review status: criteria provided, multiple submitters, no conflicts (2 of 4 stars). 3 submissions from 3 submitters: Benign (1); Likely benign (1). 1 of the submissions does not count toward it. Last evaluated 2024-08-29.

Conditions:
SORL1-related disorder. Also called: SORL1-related condition.

Allele frequency attached by ClinVar (database versions not stated): gnomAD exomes 0.00016 and 0.00043; ExAC 0.00052; gnomAD 0.00149 and 0.00161; 1000 Genomes Project 30x 0.00156; 1000 Genomes Project 0.00160; TOPMed 0.00173; ESP Exome Variant Server 0.00215.
gnomAD v4.1: 465 of 1,613,992 alleles (0.029%); highest among the groups gnomAD compares: African/African-American, 0.56%; 3 homozygotes.

Submissions (3):

Labcorp Genetics (formerly Invitae), Labcorp
Classification: Benign. Last evaluated: 2024-08-29. Review status: criteria provided, single submitter. Criteria: Invitae Variant Classification Sherloc (09022015). Collection method: clinical testing. Allele origin: germline.

Blueprint Genetics
Classification: Likely benign. Last evaluated: 2023-01-24. Review status: criteria provided, single submitter. Criteria: ACMG Guidelines, 2015. Collection method: clinical testing. Allele origin: germline.

PreventionGenetics, part of Exact Sciences
Classification: Likely benign for SORL1-related condition. Last evaluated: 2020-06-17. Review status: no assertion criteria provided. Collection method: clinical testing. Allele origin: germline. Not counted in ClinVar's aggregate classification.
Comment: This variant is classified as likely benign based on ACMG/AMP sequence variant interpretation guidelines (Richards et al. 2015 PMID: 25741868, with internal and published modifications).

NM_003105.6(SORL1):c.4213+5G>C

Gene: SORL1 (sortilin related receptor 1; plus strand). Cytogenetic location: 11q24.1.
Variant type: single nucleotide variant.
Coding change: c.4213+5G>C on transcript NM_003105.6 (MANE Select); 5 bases into the intron after coding-DNA position 4213, G replaced by C.
Molecular consequence: intron variant.
Genome position (GRCh38, 1-based): chr11:121,590,179, G>C. VCF-style: chr11-121590179-G-C. GRCh37 (hg19) VCF-style: chr11-121460888-G-C.
Identifiers: ClinVar variation 745686 (VCV000745686.12), dbSNP rs199926915, ClinGen allele CA6329521.